The following is an entry in ClinVar:

NM_003070.5(SMARCA2):c.4485A>G (p.Leu1495=)

Gene: SMARCA2 (SWI/SNF related BAF chromatin remodeling complex subunit ATPase 2; plus strand). Cytogenetic location: 9p24.3.
Variant type: single nucleotide variant.
Coding change: c.4485A>G on transcript NM_003070.5 (MANE Select); coding-DNA position 4485, A replaced by G.
Protein change: p.Leu1495=; no amino-acid change (leucine 1495 retained).
Molecular consequence: synonymous variant.
Genome position (GRCh38, 1-based): chr9:2,186,119, A>G. VCF-style: chr9-2186119-A-G. GRCh37 (hg19) VCF-style: chr9-2186119-A-G.
Other names: c.4485A>G, p.Leu1495= (NM_001289396.2); c.4257A>G, p.Leu1419= (NM_001289397.2); c.459A>G, p.Leu153= (NM_001289398.2); c.543A>G, p.Leu181= (NM_001289399.2); c.549A>G, p.Leu183= (NM_001289400.2); c.4431A>G, p.Leu1477= (NM_139045.4).
Identifiers: ClinVar variation 4872384 (VCV004872384.2).

ClinVar aggregate classification (germline): Likely benign (1 of 4 stars; one submission).

Submission:

CeGaT Center for Human Genetics Tuebingen
Classification: Likely benign. Last evaluated: 2026-05-01. Review status: criteria provided, single submitter. Criteria: CeGaT Center For Human Genetics Tuebingen Variant Classification Criteria Version 2. Collection method: clinical testing. Allele origin: germline. Affected: yes. Observed: 1 variant allele.
Comment: SMARCA2: PM2:Supporting, BP4, BP7